The following is an entry in ClinVar:

NM_000138.5(FBN1):c.8337A>T (p.Glu2779Asp)

Gene: FBN1 (fibrillin 1; minus strand). Cytogenetic location: 15q21.1.
Variant type: single nucleotide variant.
Coding change: c.8337A>T on transcript NM_000138.5 (MANE Select); coding-DNA position 8337, A replaced by T.
Protein change: p.Glu2779Asp; replaces glutamic acid 2779 with aspartic acid.
Molecular consequence: missense variant.
Genome position (GRCh38, 1-based): chr15:48,411,269, T>A on the plus strand (A>T on the coding strand, the complement: FBN1 is on the minus strand). VCF-style: chr15-48411269-T-A. GRCh37 (hg19) VCF-style: chr15-48703466-T-A.
Other names: c.8337A>T, p.Glu2779Asp (NM_001406716.1); short protein forms E2779D.
Identifiers: ClinVar variation 5021591 (VCV005021591.1).
Genomic context (GRCh38, chr15:48,411,269, plus strand): 5'-ATTTCCAGATTCGATCAAGTATCTGTTGTGATTCGTCAGAGTTGTAAGAGCTGGAAGGAG[T>A]TCTAGGATTCGAACCTTGTTACTGACGTGGGAAATATTGAAAGCAAAGATGGCTGTCTTC-3'
Protein context (NP_000129.3, residues 2769-2789): SHVSNKVRIL[Glu2779Asp]LLPALTTLTN

ClinVar aggregate classification (germline): Uncertain significance (1 of 4 stars; one submission).

Conditions:
Familial thoracic aortic aneurysm and aortic dissection (TAAD). Also called: Thoracic aortic aneurysms and dissections. Identifiers: Orphanet 91387, MedGen C4707243, MONDO:0019625.

Submission:

Ambry Genetics
Classification: Uncertain significance for Familial thoracic aortic aneurysm and aortic dissection. Last evaluated: 2026-07-24. Review status: criteria provided, single submitter. Criteria: Ambry Variant Classification Scheme 2023. Collection method: clinical testing. Allele origin: germline.
Comment: The p.E2779D variant (also known as c.8337A>T), located in coding exon 65 of the FBN1 gene, results from an A to T substitution at nucleotide position 8337. The glutamic acid at codon 2779 is replaced by aspartic acid, an amino acid with highly similar properties. This amino acid position is conserved. In addition, the in silico prediction for this alteration is inconclusive. Based on the available evidence, the clinical significance of this variant remains unclear.